The following is an entry in ClinVar:

ClinVar aggregate classification (germline): Conflicting classifications of pathogenicity. Review status: criteria provided, conflicting classifications (1 of 4 stars). 3 submissions from 3 submitters: Likely pathogenic (2); Uncertain significance (1). Last evaluated 2023-10-13.

Conditions:
POLG-related disorder. Also called: POLG-Related Spectrum Disorders; POLG-Related Disorders; POLG-related condition. Identifiers: MedGen C4763519.
Progressive sclerosing poliodystrophy (MTDPS4A). Also called: Alpers-Huttenlocher Syndrome; Mitochondrial DNA Depletion Syndrome 4A; ALPERS PROGRESSIVE INFANTILE POLIODYSTROPHY; NEURONAL DEGENERATION OF CHILDHOOD WITH LIVER DISEASE, PROGRESSIVE; Alpers-Huttenlocher Syndrome (AHS); Alpers Syndrome. Identifiers: Orphanet 726, MedGen C0205710, MONDO:0008758, OMIM 203700.

Submissions (3):

Labcorp Genetics (formerly Invitae), Labcorp
Classification: Likely pathogenic for Progressive sclerosing poliodystrophy. Last evaluated: 2023-10-13. Review status: criteria provided, single submitter. Criteria: Invitae Variant Classification Sherloc (09022015). Collection method: clinical testing. Allele origin: germline.
Comment: This sequence change affects a donor splice site in intron 13 of the POLG gene. It is expected to disrupt RNA splicing. Variants that disrupt the donor or acceptor splice site typically lead to a loss of protein function (PMID: 16199547), and loss-of-function variants in POLG are known to be pathogenic (PMID: 18546365). This variant is not present in population databases (gnomAD no frequency). This variant has not been reported in the literature in individuals affected with POLG-related conditions. ClinVar contains an entry for this variant (Variation ID: 1807554). Algorithms developed to predict the effect of sequence changes on RNA splicing suggest that this variant may disrupt the consensus splice site. In summary, the currently available evidence indicates that the variant is pathogenic, but additional data are needed to prove that conclusively. Therefore, this variant has been classified as Likely Pathogenic.

PreventionGenetics, part of Exact Sciences
Classification: Likely pathogenic for POLG-related condition. Last evaluated: 2023-02-20. Review status: criteria provided, single submitter. Criteria: ACMG Guidelines, 2015. Collection method: clinical testing. Allele origin: germline.
Comment: The POLG c.2265+1G>A variant is predicted to disrupt the GT donor site and interfere with normal splicing. To our knowledge, this variant has not been reported in the literature or in a large population database, indicating this variant is rare. Variants that disrupt the consensus splice donor site in POLG are expected to be pathogenic. This variant is interpreted as likely pathogenic.

Athena Diagnostics
Classification: Uncertain significance. Last evaluated: 2021-12-08. Review status: criteria provided, single submitter. Criteria: Athena Diagnostics Criteria. Collection method: clinical testing. Allele origin: unknown.

Literature cited by the submitters: PubMed 16199547 (cited by Labcorp Genetics (formerly Invitae), Labcorp); PubMed 18546365 (cited by Labcorp Genetics (formerly Invitae), Labcorp).

NM_002693.3(POLG):c.2265+1G>A

Gene: POLG (DNA polymerase gamma, catalytic subunit; minus strand). Cytogenetic location: 15q26.1.
Variant type: single nucleotide variant.
Coding change: c.2265+1G>A on transcript NM_002693.3 (MANE Select); the canonical splice donor site of the intron after coding-DNA position 2265, G replaced by A.
Molecular consequence: splice donor variant.
Genome position (GRCh38, 1-based): chr15:89,323,403, C>T on the plus strand (G>A on the coding strand, the complement: POLG is on the minus strand). VCF-style: chr15-89323403-C-T. GRCh37 (hg19) VCF-style: chr15-89866634-C-T.
Other names: c.2265+1G>A (NM_001126131.2).
Identifiers: ClinVar variation 1807554 (VCV001807554.7), dbSNP rs796052884, ClinGen allele CA393756621.